The following is an entry in ClinVar:

NM_003072.5(SMARCA4):c.761-5T>G

Gene: SMARCA4 (SWI/SNF related BAF chromatin remodeling complex subunit ATPase 4; plus strand). Cytogenetic location: 19p13.2.
Variant type: single nucleotide variant.
Coding change: c.761-5T>G on transcript NM_003072.5 (MANE Select); 5 bases into the intron before coding-DNA position 761, T replaced by G.
Molecular consequence: intron variant.
Genome position (GRCh38, 1-based): chr19:10,986,900, T>G. VCF-style: chr19-10986900-T-G. GRCh37 (hg19) VCF-style: chr19-11097576-T-G.
Other names: c.761-5T>G (NM_001128844.3, NM_001128849.3, NM_001128847.4 and 5 more transcripts).
Identifiers: ClinVar variation 1759817 (VCV001759817.2), dbSNP rs543702763, ClinGen allele CA2580096263.
Genomic context (GRCh38, chr19:10,986,900, plus strand): 5'-CGGGGCTGGGCGCAGGCATAAACCTGGGACGCACTGTTTTCTCTTTTGTTTCTCCCTACA[T>G]GTAGGTATGGGAGGGCCCAACATGCCTCCCCCAGGACCCTCGGGCGTGCCCCCCGGGATG-3'

ClinVar aggregate classification (germline): Likely pathogenic (1 of 4 stars; one submission).

Conditions:
Hereditary cancer-predisposing syndrome. Also called: Neoplastic Syndromes, Hereditary; Tumor predisposition; Hereditary Cancer Syndrome; Hereditary neoplastic syndrome. Identifiers: Orphanet 140162, MedGen C0027672, MeSH D009386, MONDO:0015356.

Submission:

Ambry Genetics
Classification: Likely pathogenic for Hereditary cancer-predisposing syndrome. Last evaluated: 2023-10-06. Review status: criteria provided, single submitter. Criteria: Ambry Variant Classification Scheme 2023. Collection method: clinical testing. Allele origin: germline.
Comment: The c.761-5T>G intronic variant results from a T to G substitution 5 nucleotides upstream from coding exon 4 in the SMARCA4 gene. This variant is considered to be rare based on population cohorts in the Genome Aggregation Database (gnomAD). This nucleotide position is well conserved in available vertebrate species. In silico splice site analysis predicts that this alteration will weaken the native splice acceptor site and will result in the creation or strengthening of a novel splice acceptor site. RNA studies have demonstrated that this alteration results in abnormal splicing in the set of samples tested (Ambry internal data). Loss-of-function variants in SMARCA4 are known to cause rhabdoid tumor predisposition syndrome including small cell carcinoma of the ovary-hypercalcemic type (SCCOHT); however, such associations with neurodevelopmental disorders are exceedingly rare (Kosho T et al. Am J Med Genet C Semin Med Genet. 2014 Sep;166C(3):262-75; Jelinic P et al. Nat Genet. 2014 May;46(5):424-6). Based on the supporting evidence, this alteration is likely pathogenic for rhabdoid tumor predisposition syndrome; however, the association of this alteration with Coffin-Siris syndrome is unknown.